The following is an entry in ClinVar:

ClinVar aggregate classification (germline): Likely pathogenic (1 of 4 stars; one submission).

Conditions:
Primary ciliary dyskinesia. Also called: Ciliary dyskinesia. Identifiers: Orphanet 244, MedGen C0008780, MONDO:0016575, HP:0012265.

Submission:

Natera, Inc.
Classification: Likely pathogenic for Primary ciliary dyskinesia. Last evaluated: 2024-11-01. Review status: criteria provided, single submitter. Criteria: Natera Variant Classification Schema (03/2026). Collection method: clinical testing. Allele origin: germline.
Comment: The c.519_520del variant in DNAI1 is a frameshift variant predicted to shift the reading frame beginning at codon 174 and leads to a stop codon 7 codons downstream. This variant is expected to result in nonsense mediated decay, truncation, or a dysfunctional protein product. This variant is rare in the general population with a frequency below the threshold expected for the associated phenotype(s). Given the available evidence, this variant is classified as Likely Pathogenic.

NM_012144.4(DNAI1):c.519_520del (p.Glu174fs)

Gene: DNAI1 (dynein axonemal intermediate chain 1; plus strand). Cytogenetic location: 9p13.3.
Variant type: Deletion.
Coding change: c.519_520del on transcript NM_012144.4 (MANE Select); coding-DNA positions 519 to 520, 2 bases deleted (TG; older notation c.519_520delTG).
Protein change: p.Glu174fs; shifts the reading frame from glutamic acid 174.
Molecular consequence: frameshift variant.
Genome position (GRCh38, 1-based): chr9:34,490,386-34,490,387, TG deleted. VCF-style (leftmost placement, unchanged base first): chr9-34490385-CTG-C. GRCh37 (hg19) VCF-style: chr9-34490383-CTG-C.
Other names: c.531_532del, p.Glu178fs (NM_001281428.2); short protein forms E174fs, E178fs.
Identifiers: ClinVar variation 4815551 (VCV004815551.1).
Genomic context (GRCh38, chr9:34,490,385, plus strand): 5'-CCTTCTCACAGCTGATTCCTGATCCTCTGGGTCTTTATTTTCAGGCAGCTGAAAAAGTGA[CTG>C]AAGAAGAATTGATGACTCCTAAGCAGCCCAAGGAGAGAAAGCTCACTAACCAGTTCAACT-3'